The following is an entry in ClinVar:

ClinVar aggregate classification (germline): Likely pathogenic (1 of 4 stars; one submission).

Conditions:
Congenital lactic acidosis, Saguenay-Lac-Saint-Jean type (MC4DN5). Also called: MITOCHONDRIAL COMPLEX IV DEFICIENCY, NUCLEAR TYPE 5; CYTOCHROME c OXIDASE DEFICIENCY, FRENCH CANADIAN TYPE; COX DEFICIENCY, FRENCH CANADIAN TYPE. Identifiers: Orphanet 70472, MedGen C1857355, MONDO:0009069, OMIM 220111.

Submission:

Women's Health and Genetics/Laboratory Corporation of America, LabCorp
Classification: Likely pathogenic for Congenital lactic acidosis, Saguenay-Lac-Saint-Jean type. Last evaluated: 2023-04-17. Review status: criteria provided, single submitter. Criteria: LabCorp Variant Classification Summary - May 2015. Collection method: clinical testing. Allele origin: germline.
Comment: Variant summary: LRPPRC c.1369+2T>A is located in a canonical splice-site and is predicted to affect mRNA splicing resulting in a significantly altered protein due to either exon skipping, shortening, or inclusion of intronic material. Several computational tools predict a significant impact on normal splicing: Four predict the variant abolishes a 5' splicing donor site. However, these predictions have yet to be confirmed by functional studies. The variant was absent in 251360 control chromosomes (gnomAD). To our knowledge, no occurrence of c.1369+2T>A in individuals affected with Leigh Syndrome, French-Canadian Type and no experimental evidence demonstrating its impact on protein function have been reported. No clinical diagnostic laboratories have submitted clinical-significance assessments for this variant to ClinVar after 2014. Based on the evidence outlined above, the variant was classified as likely pathogenic.

NM_133259.4(LRPPRC):c.1369+2T>A

Gene: LRPPRC (leucine rich pentatricopeptide repeat containing; minus strand). Cytogenetic location: 2p21.
Variant type: single nucleotide variant.
Coding change: c.1369+2T>A on transcript NM_133259.4 (MANE Select); the canonical splice donor site of the intron after coding-DNA position 1369, T replaced by A.
Molecular consequence: splice donor variant.
Genome position (GRCh38, 1-based): chr2:43,973,605, A>T on the plus strand (T>A on the coding strand, the complement: LRPPRC is on the minus strand). VCF-style: chr2-43973605-A-T. GRCh37 (hg19) VCF-style: chr2-44200744-A-T.
Identifiers: ClinVar variation 2503846 (VCV002503846.1), dbSNP rs2466659679, ClinGen allele CA346671870.
Genomic context (GRCh38, chr2:43,973,605, plus strand): 5'-GCGTGCAAACTGTCATACTGGCTCTGGGAACCATTACAAATCGGTAAAAGGCAAAATCTA[A>T]CCTTGAACATTTTTTTCCTTCCGACGTCCAACTAGCAATGGCCAGAAATAGTGAGGTCTG-3'